The following is an entry in ClinVar:

ClinVar aggregate classification (germline): Pathogenic (1 of 4 stars; one submission).

Conditions:
Cystic fibrosis (CF). Also called: MUCOVISCIDOSIS. Identifiers: Orphanet 586, MedGen C0010674, MONDO:0009061, OMIM 219700. Disease mechanism: loss of function.

Submission:

Labcorp Genetics (formerly Invitae), Labcorp
Classification: Pathogenic for Cystic fibrosis. Last evaluated: 2023-10-30. Review status: criteria provided, single submitter. Criteria: Invitae Variant Classification Sherloc (09022015). Collection method: clinical testing. Allele origin: unknown.
Comment: This variant is a gross deletion of the genomic region encompassing exon(s) 12-15 of the CFTR gene. This variant would be expected to be in-frame, preserving the integrity of the reading frame. This variant has not been reported in the literature in individuals affected with CFTR-related conditions. This variant disrupts a region of the CFTR protein in which other variant(s) (p.Ser549Arg) have been determined to be pathogenic (PMID: 1712898, 10923036, 11005149, 16840743, 23082198, 23974870). This suggests that this is a clinically significant region of the protein, and that variants that disrupt it are likely to be disease-causing. For these reasons, this variant has been classified as Pathogenic.

Literature cited by the submitters: PubMed 1712898; PubMed 10923036; PubMed 11005149; PubMed 16840743; PubMed 23082198; PubMed 23974870.

NC_000007.13:g.(?_117227773)_(117235132_?)del

Gene: CFTR (CF transmembrane conductance regulator; plus strand). Cytogenetic location: 7q31.2.
Variant type: Deletion.
Identifiers: ClinVar variation 3245674 (VCV003245674.1).